The following is an entry in ClinVar:

NM_001113378.2(FANCI):c.2284A>G (p.Ser762Gly)

Gene: FANCI (FA complementation group I; plus strand). Cytogenetic location: 15q26.1.
Variant type: single nucleotide variant.
Coding change: c.2284A>G on transcript NM_001113378.2 (MANE Select); coding-DNA position 2284, A replaced by G.
Protein change: p.Ser762Gly; replaces serine 762 with glycine.
Molecular consequence: missense variant.
Genome position (GRCh38, 1-based): chr15:89,293,056, A>G. VCF-style: chr15-89293056-A-G. GRCh37 (hg19) VCF-style: chr15-89836287-A-G.
Other names: c.2005A>G, p.Ser669Gly (NM_001376910.1); c.2284A>G, p.Ser762Gly (NM_001376911.1, NM_018193.3); short protein forms S669G, S762G.
Identifiers: ClinVar variation 3359660 (VCV003359660.1).

ClinVar aggregate classification (germline): Uncertain significance (1 of 4 stars; one submission).

Submission:

GeneDx
Classification: Uncertain significance. Last evaluated: 2023-06-09. Review status: criteria provided, single submitter. Criteria: GeneDx Variant Classification Process June 2021. Collection method: clinical testing. Allele origin: germline. Affected: yes.
Comment: Not observed at significant frequency in large population cohorts (gnomAD); In silico analysis supports that this missense variant does not alter protein structure/function; Has not been previously published as pathogenic or benign to our knowledge